The following is an entry in ClinVar:

ClinVar aggregate classification (germline): Uncertain significance. Review status: criteria provided, multiple submitters, no conflicts (2 of 4 stars). 2 submissions from 2 submitters: Uncertain significance (2). Last evaluated 2024-04-16.

Conditions:
Hereditary cancer-predisposing syndrome. Also called: Neoplastic Syndromes, Hereditary; Tumor predisposition; Hereditary Cancer Syndrome; Hereditary neoplastic syndrome. Identifiers: Orphanet 140162, MedGen C0027672, MeSH D009386, MONDO:0015356.
Familial adenomatous polyposis 1 (FAP1). Also called: FAMILIAL ADENOMATOUS POLYPOSIS 1, ATTENUATED; POLYPOSIS, ADENOMATOUS INTESTINAL. Identifiers: MedGen C2713442, MONDO:0021056, OMIM 175100. Disease mechanism: loss of function.

Submissions (2):

Ambry Genetics
Classification: Uncertain significance for Hereditary cancer-predisposing syndrome. Last evaluated: 2024-04-16. Review status: criteria provided, single submitter. Criteria: Ambry Variant Classification Scheme 2023. Collection method: clinical testing. Allele origin: germline.
Comment: The c.8435_8437delACA variant (also known as p.N2812del) is located in coding exon 15 of the APC gene. This variant results from an in-frame ACA deletion at nucleotide positions 8435 to 8437. This results in the in-frame deletion of an asparagine at codon 2812. This amino acid position is not well conserved in available vertebrate species. In addition, this alteration is predicted to be neutral by in silico analysis (Choi Y et al. PLoS ONE. 2012; 7(10):e46688). Based on the available evidence, the clinical significance of this variant remains unclear.

Labcorp Genetics (formerly Invitae), Labcorp
Classification: Uncertain significance for Familial adenomatous polyposis 1. Last evaluated: 2024-03-07. Review status: criteria provided, single submitter. Criteria: Invitae Variant Classification Sherloc (09022015). Collection method: clinical testing. Allele origin: germline.
Comment: This variant, c.8435_8437del, results in the deletion of 1 amino acid(s) of the APC protein (p.Asn2812del), but otherwise preserves the integrity of the reading frame. This variant is present in population databases (rs755037662, gnomAD 0.003%). This variant has not been reported in the literature in individuals affected with APC-related conditions. Experimental studies and prediction algorithms are not available or were not evaluated, and the functional significance of this variant is currently unknown. In summary, the available evidence is currently insufficient to determine the role of this variant in disease. Therefore, it has been classified as a Variant of Uncertain Significance.

NM_000038.6(APC):c.8432ACA[1] (p.Asn2812del)

Gene: APC (APC regulator of Wnt signaling pathway; plus strand). Cytogenetic location: 5q22.2.
Variant type: Microsatellite.
Coding change: c.8432ACA[1] on transcript NM_000038.6 (MANE Select); one copy of the 3-base unit ACA starting at c.8432; the reference has two copies in a row; one copy, 3 bases deleted.
Protein change: p.Asn2812del; deletes asparagine 2812.
Molecular consequence: inframe deletion. On other transcripts: non-coding transcript variant (2).
Genome position (GRCh38, 1-based): chr5:112,844,029-112,844,031, ACA deleted; deleting any 3 consecutive bases within chr5:112,844,025-112,844,031 gives the same sequence; the position shown is the placement nearest the transcript's 3' end. VCF-style (leftmost placement, unchanged base first): chr5-112844024-TAAC-T. GRCh37 (hg19) VCF-style: chr5-112179721-TAAC-T.
Other names: c.8432ACA[1], p.Asn2812del (NM_001127510.3, NM_001354895.2, NM_001407450.1); c.8378ACA[1], p.Asn2794del (NM_001127511.3); c.8486ACA[1], p.Asn2830del (NM_001354896.2, NM_001407447.1, NM_001407448.1 and 1 more transcripts); c.8462ACA[1], p.Asn2822del (NM_001354897.2); c.8357ACA[1], p.Asn2787del (NM_001354898.2); c.8348ACA[1], p.Asn2784del (NM_001354899.2); c.8309ACA[1], p.Asn2771del (NM_001354900.2); c.8255ACA[1], p.Asn2753del (NM_001354901.2, NM_001407453.1); and 12 more; short protein forms N2529del, N2711del, N2721del, N2794del, N2802del, N2822del, N2683del, N2729del.
Identifiers: ClinVar variation 2707734 (VCV002707734.4), dbSNP rs755037662, ClinGen allele CA050785.
Genomic context (GRCh38, chr5:112,844,024, plus strand): 5'-TAGGAAAAGCAGCGCAGATAGCACTTCAGCTCGGCCATCTCAGATCCCAACTCCAGTGAA[TAAC>T]AACACAAAGAAGCGAGATTCCAAAACTGACAGCACAGAATCCAGTGGAACCCAAAGTCCT-3'